The following is an entry in ClinVar:

NM_005236.3(ERCC4):c.1911A>C (p.Lys637Asn)

Gene: ERCC4 (ERCC excision repair 4, endonuclease catalytic subunit; plus strand). Cytogenetic location: 16p13.12.
Variant type: single nucleotide variant.
Coding change: c.1911A>C on transcript NM_005236.3 (MANE Select); coding-DNA position 1911, A replaced by C.
Protein change: p.Lys637Asn; replaces lysine 637 with asparagine.
Molecular consequence: missense variant.
Genome position (GRCh38, 1-based): chr16:13,944,729, A>C. VCF-style: chr16-13944729-A-C. GRCh37 (hg19) VCF-style: chr16-14038586-A-C.
Other names: short protein forms K637N.
Identifiers: ClinVar variation 4786468 (VCV004786468.1).

ClinVar aggregate classification (germline): Uncertain significance (1 of 4 stars; one submission).

Conditions:
Xeroderma pigmentosum, group F (XPF). Also called: XERODERMA PIGMENTOSUM, COMPLEMENTATION GROUP F; XERODERMA PIGMENTOSUM VI; XP, GROUP F; ERCC4-Related Xeroderma Pigmentosum; XERODERMA PIGMENTOSUM, TYPE F; Xeroderma pigmentosum, type 6. Identifiers: MedGen C0268140, MONDO:0010215, OMIM 278760.
Fanconi anemia complementation group Q. Identifiers: Orphanet 84, MedGen C3808988, MONDO:0014108, OMIM 615272.
Cockayne syndrome. Identifiers: Orphanet 191, MedGen C0009207, MONDO:0016006.

Submission:

Labcorp Genetics (formerly Invitae), Labcorp
Classification: Uncertain significance for Fanconi anemia complementation group Q; Xeroderma pigmentosum, group F; Cockayne syndrome. Last evaluated: 2025-08-17. Review status: criteria provided, single submitter. Criteria: Invitae Variant Classification Sherloc (09022015). Collection method: clinical testing. Allele origin: germline.
Comment: This sequence change replaces lysine, which is basic and polar, with asparagine, which is neutral and polar, at codon 637 of the ERCC4 protein (p.Lys637Asn). This variant is not present in population databases (gnomAD no frequency). This variant has not been reported in the literature in individuals affected with ERCC4-related conditions. Invitae Evidence Modeling of protein sequence and biophysical properties (such as structural, functional, and spatial information, amino acid conservation, physicochemical variation, residue mobility, and thermodynamic stability) indicates that this missense variant is expected to disrupt ERCC4 protein function with a positive predictive value of 80%. In summary, the available evidence is currently insufficient to determine the role of this variant in disease. Therefore, it has been classified as a Variant of Uncertain Significance.